The following is an entry in ClinVar:

ClinVar aggregate classification (germline): Uncertain significance. Review status: criteria provided, multiple submitters, no conflicts (2 of 4 stars). 2 submissions from 2 submitters: Uncertain significance (2). Last evaluated 2024-10-11.

Allele frequency attached by ClinVar (database versions not stated): gnomAD 0.00002.
gnomAD v4.1: 3 of 1,614,008 alleles (0.00019%); highest among the groups gnomAD compares: Admixed American, 0.005%; no homozygotes.

Submissions (2):

Ambry Genetics
Classification: Uncertain significance. Last evaluated: 2024-10-11. Review status: criteria provided, single submitter. Criteria: Ambry Variant Classification Scheme 2023. Collection method: clinical testing. Allele origin: germline.

Labcorp Genetics (formerly Invitae), Labcorp
Classification: Uncertain significance. Last evaluated: 2022-04-06. Review status: criteria provided, single submitter. Criteria: Invitae Variant Classification Sherloc (09022015). Collection method: clinical testing. Allele origin: germline.
Comment: This variant is not present in population databases (gnomAD no frequency). In summary, the available evidence is currently insufficient to determine the role of this variant in disease. Therefore, it has been classified as a Variant of Uncertain Significance. Algorithms developed to predict the effect of missense changes on protein structure and function are either unavailable or do not agree on the potential impact of this missense change (SIFT: "Deleterious"; PolyPhen-2: "Probably Damaging"; Align-GVGD: "Class C0"). This variant has not been reported in the literature in individuals affected with LOXL3-related conditions. This sequence change replaces threonine, which is neutral and polar, with isoleucine, which is neutral and non-polar, at codon 707 of the LOXL3 protein (p.Thr707Ile).

NM_032603.5(LOXL3):c.2120C>T (p.Thr707Ile)

Gene: LOXL3 (lysyl oxidase like 3; minus strand). Cytogenetic location: 2p13.1.
Variant type: single nucleotide variant.
Coding change: c.2120C>T on transcript NM_032603.5 (MANE Select); coding-DNA position 2120, C replaced by T.
Protein change: p.Thr707Ile; replaces threonine 707 with isoleucine.
Molecular consequence: missense variant.
Genome position (GRCh38, 1-based): chr2:74,533,950, G>A on the plus strand (C>T on the coding strand, the complement: LOXL3 is on the minus strand). VCF-style: chr2-74533950-G-A. GRCh37 (hg19) VCF-style: chr2-74761077-G-A.
Other names: c.2120C>T (NM_032603.2); c.1685C>T, p.Thr562Ile (NM_001289164.3); c.1037C>T, p.Thr346Ile (NM_001289165.2); short protein forms T562I, T346I, T707I.
Identifiers: ClinVar variation 1961279 (VCV001961279.6), dbSNP rs1203038187, ClinGen allele CA347384126.
Genomic context (GRCh38, chr2:74,533,950, plus strand): 5'-CAGTTGTGCACCCAGATTCTATGTCCATCATATTTGCAGTTACATTTCATTGCATTGTTG[G>A]TAAAGTCACTCTCTGCTACTTCAAAGTTTGGGTTGATGACAACCTGTGAGTGAGAAAAAG-3'
Protein context (NP_115992.1, residues 697-717): PNFEVAESDF[Thr707Ile]NNAMKCNCKY